The following is an entry in ClinVar:

NM_001378615.1(CC2D2A):c.3640T>C (p.Tyr1214His)

Genes: CC2D2A (coiled-coil and C2 domain containing 2A; plus strand), FBXL5 (F-box and leucine rich repeat protein 5; minus strand). Cytogenetic location: 4p15.32.
Variant type: single nucleotide variant.
Coding change: c.3640T>C on transcript NM_001378615.1 (MANE Select); coding-DNA position 3640, T replaced by C.
Protein change: p.Tyr1214His; replaces tyrosine 1214 with histidine.
Molecular consequence: missense variant.
Genome position (GRCh38, 1-based): chr4:15,574,195, T>C. VCF-style: chr4-15574195-T-C. GRCh37 (hg19) VCF-style: chr4-15575818-T-C.
Other names: c.3640T>C, p.Tyr1214His (NM_001080522.2); c.3493T>C, p.Tyr1165His (NM_001378617.1); short protein forms Y1165H, Y1214H.
Identifiers: ClinVar variation 1444600 (VCV001444600.7), dbSNP rs759970546, ClinGen allele CA2864218.

ClinVar aggregate classification (germline): Uncertain significance. Review status: criteria provided, multiple submitters, no conflicts (2 of 4 stars). 4 submissions from 4 submitters: Uncertain significance (4). Last evaluated 2024-11-08.

Conditions:
Inborn genetic diseases. Identifiers: MedGen C0950123, MeSH D030342.
Joubert syndrome. Also called: JOUBERT-BOLTSHAUSER SYNDROME; Familial aplasia of the vermis. Identifiers: Orphanet 475, MedGen C5979921, MONDO:0018772.
Meckel-Gruber syndrome. Also called: DYSENCEPHALIA SPLANCHNOCYSTICA; GRUBER SYNDROME; Dysencephalia splachnocystica. Identifiers: Orphanet 564, MedGen C0265215, MONDO:0018921.
COACH syndrome 2. Identifiers: MedGen C5436837, MONDO:0030859, OMIM 619111.
Meckel syndrome, type 6. Identifiers: Orphanet 564, MedGen C2676790, MONDO:0012848, OMIM 612284.
Retinitis pigmentosa 93. Identifiers: MedGen C5676970, MONDO:0030797, OMIM 619845.
Joubert syndrome 9 (JBTS9). Identifiers: Orphanet 2318, MedGen C2676788, MONDO:0012849, OMIM 612285.

Allele frequency attached by ClinVar (database versions not stated): gnomAD exomes 0.00003 and 0.00008; TOPMed 0.00003; gnomAD 0.00004; ExAC 0.00005.
gnomAD v4.1: 112 of 1,551,226 alleles (0.0072%); highest among the groups gnomAD compares: Middle Eastern, 0.017%; no homozygotes.

Submissions (4):

Ambry Genetics
Classification: Uncertain significance for Inborn genetic diseases. Last evaluated: 2024-11-08. Review status: criteria provided, single submitter. Criteria: Ambry Variant Classification Scheme 2023. Collection method: clinical testing. Allele origin: germline.

Fulgent Genetics
Classification: Uncertain significance for Meckel syndrome, type 6; Joubert syndrome 9; COACH syndrome 2; Retinitis pigmentosa 93. Last evaluated: 2024-04-24. Review status: criteria provided, single submitter. Criteria: ACMG Guidelines, 2015. Collection method: clinical testing. Allele origin: germline.

Blueprint Genetics
Classification: Uncertain significance. Last evaluated: 2023-12-12. Review status: criteria provided, single submitter. Criteria: ACMG Guidelines, 2015. Collection method: clinical testing. Allele origin: germline.

Labcorp Genetics (formerly Invitae), Labcorp
Classification: Uncertain significance for Joubert syndrome; Meckel-Gruber syndrome. Last evaluated: 2022-10-13. Review status: criteria provided, single submitter. Criteria: Invitae Variant Classification Sherloc (09022015). Collection method: clinical testing. Allele origin: germline.
Comment: This sequence change replaces tyrosine, which is neutral and polar, with histidine, which is basic and polar, at codon 1214 of the CC2D2A protein (p.Tyr1214His). This variant is present in population databases (rs759970546, gnomAD 0.008%). This variant has not been reported in the literature in individuals affected with CC2D2A-related conditions. ClinVar contains an entry for this variant (Variation ID: 1444600). Advanced modeling of protein sequence and biophysical properties (such as structural, functional, and spatial information, amino acid conservation, physicochemical variation, residue mobility, and thermodynamic stability) performed at Invitae indicates that this missense variant is expected to disrupt CC2D2A protein function. In summary, the available evidence is currently insufficient to determine the role of this variant in disease. Therefore, it has been classified as a Variant of Uncertain Significance.